The following is an entry in ClinVar:

ClinVar aggregate classification (germline): Pathogenic/Likely pathogenic. Review status: criteria provided, multiple submitters, no conflicts (2 of 4 stars). 7 submissions from 7 submitters: Pathogenic (1); Likely pathogenic (6). Last evaluated 2026-04-14.

Conditions:
Lynch syndrome 4 (LYNCH4). Also called: Colorectal cancer, hereditary nonpolyposis, type 4; Hereditary non-polyposis colorectal cancer, type 4. Identifiers: Orphanet 144, MedGen C1838333, MONDO:0013699, OMIM 614337. Disease mechanism: loss of function.
Hereditary nonpolyposis colorectal neoplasms. Identifiers: MedGen C0009405, MeSH D003123.
Hereditary cancer-predisposing syndrome. Also called: Hereditary Cancer Syndrome; Tumor predisposition; Neoplastic Syndromes, Hereditary; Hereditary neoplastic syndrome. Identifiers: Orphanet 140162, MedGen C0027672, MeSH D009386, MONDO:0015356.
Lynch syndrome. Identifiers: Orphanet 144, MedGen C4552100, MONDO:0005835. Disease mechanism: loss of function.

Allele frequency attached by ClinVar (database versions not stated): gnomAD 0.00001; TOPMed 0.00001.

Submissions (7):

GeneDx
Classification: Likely pathogenic. Last evaluated: 2026-04-14. Review status: criteria provided, single submitter. Criteria: GeneDx Variant Classification Process June 2021. Collection method: clinical testing. Allele origin: germline.
Comment: Identified in patients with PMS2-related Lynch syndrome in published literature (PMID: 31992580, 38311346); RNA studies demonstrate a damaging effect: variant causes two aberrant splicing products, including a cryptic site and exon skipping (PMID: 31642931, 40225916, 32849802) and impacts the critical ATPase domain (PMID: 11574484).; Not observed at significant frequency in large population cohorts (gnomAD); In silico analysis supports a deleterious effect on splicing; This variant is associated with the following publications: (PMID: 31642931, 40225916, 32849802, 31992580, 38311346, 11574484)

Myriad Genetics, Inc.
Classification: Likely pathogenic for Lynch syndrome 4. Last evaluated: 2026-03-18. Review status: criteria provided, single submitter. Criteria: Myriad Autosomal Dominant, Autosomal Recessive and X-Linked Classification Criteria (2023). Collection method: clinical testing. Allele origin: unknown.
Comment: This variant is considered likely pathogenic. This variant has been reported in multiple individuals with clinical features of gene-specific disease [PMID: 31992580]. mRNA analysis has demonstrated abnormal mRNA splicing occurs [Myriad internal data; PMID: 31642931, 38311346].

Ambry Genetics
Classification: Likely pathogenic for Hereditary cancer-predisposing syndrome. Last evaluated: 2025-12-08. Review status: criteria provided, single submitter. Criteria: Ambry Variant Classification Scheme 2023. Collection method: clinical testing. Allele origin: germline.
Comment: The c.803+5G>A intronic variant results from a G to A substitution 5 nucleotides after coding exon 7 in the PMS2 gene. This alteration was also identified in two French patients, one with endometrial cancer that was MSI-H and the other with colorectal cancer that was MSI-H and also demonstrated loss of PMS2 on IHC (Wang Q et al. J Med Genet, 2020 07;57:487-499). Other variant(s) impacting the same donor site (c.803+2T>G) have been identified homozygous in an individual with features consistent with CMMRD, and as heterozygous in an individual with features consistent with HNPCC (Ambry internal data). This nucleotide position is well conserved in available vertebrate species. In silico splice site analysis predicts that this alteration will weaken the native splice donor site. RNA studies have demonstrated this alteration results in abnormal splicing in the set of samples tested (Ambry internal data). This variant was not reported in population-based cohorts in the Genome Aggregation Database (gnomAD). Based on the majority of available evidence to date, this variant is likely to be pathogenic.

Labcorp Genetics (formerly Invitae), Labcorp
Classification: Likely pathogenic for Hereditary nonpolyposis colorectal neoplasms. Last evaluated: 2025-07-06. Review status: criteria provided, single submitter. Criteria: Invitae Variant Classification Sherloc (09022015). Collection method: clinical testing. Allele origin: germline.
Comment: This sequence change falls in intron 7 of the PMS2 gene. It does not directly change the encoded amino acid sequence of the PMS2 protein. It affects a nucleotide within the consensus splice site. This variant is not present in population databases (gnomAD no frequency). This variant has been observed in individuals with PMS2-related conditions (PMID: 31992580, 38311346; external communication, internal data). ClinVar contains an entry for this variant (Variation ID: 486041). Variants that disrupt the consensus splice site are a relatively common cause of aberrant splicing (PMID: 17576681, 9536098). Studies have shown that this variant is associated with altered splicing resulting in multiple RNA products (PMID: 38311346; internal data). In summary, the currently available evidence indicates that the variant is pathogenic, but additional data are needed to prove that conclusively. Therefore, this variant has been classified as Likely Pathogenic.

Color Diagnostics, LLC DBA Color Health
Classification: Pathogenic for Hereditary cancer-predisposing syndrome. Last evaluated: 2024-12-17. Review status: criteria provided, single submitter. Criteria: ACMG Guidelines, 2015. Collection method: clinical testing. Allele origin: germline.
Comment: This variant causes a G>A nucleotide substitution at the +5 position of intron 7 of the PMS2 gene. Splice site prediction tools suggest that this variant may have a significant impact on RNA splicing, resulting in absent or disrupted protein product. RNA analysis done with patient RNA have demonstrated this variant results in two aberrant transcripts, with either an in-frame deletion or out-of-frame skipping of exon 7 (PMID: 32849802, 38311346). This variant has been reported in individuals and families affected with Lynch syndrome-associated tumors, with tumor data demonstrating high microsatellite instability and/or loss or PMS2 protein via immunohistochemistry (PMID: 31992580, 38311346; ClinVar SCV000674231.6, SCV000751167.5). This variant has not been identified in the general population by the Genome Aggregation Database (gnomAD). Loss of MLH1 function is a known mechanism of disease. Based on the available evidence, this variant is classified as Pathogenic.

All of Us Research Program, National Institutes of Health
Classification: Likely pathogenic for Lynch syndrome. Last evaluated: 2024-08-31. Review status: criteria provided, single submitter. Criteria: ACMG Guidelines, 2015. Collection method: clinical testing. Allele origin: germline. Inheritance: Autosomal dominant inheritance. Observed: 1 variant allele, 1 heterozygote.
Comment: The c.803+5G>A variant in the PMS2 gene is located at the canonical splice site of intron 7 and is predicted to inflict donor loss (SpliceAI delta score: 0.98), resulting in alternative splicing and disrupted protein product. The variant has been reported in individuals with colorectal/endometrial/ovarian cancer (PMID: 31992580, 38311346). Patient peripheral blood RNA RT-PCR analysis demonstrated aberrant transcripts with either partial deletion or out-of-frame skipping of exon 7 (PMID: 38311346). Other splice variants located in the same splice junction (c.803+1G>T, c.803+1G>A) have also been reported from individuals with colorectal/endometrial cancer (PMID: 3501477, 36091691, 862267). Loss-of-function variants in the PMS2 gene are known to be pathogenic (PMID: 28514183, 25512458, 35223509). This variant has been reported in ClinVar (ID: 486041). This variant is absent in the general population according to gnomAD (v4.1). Therefore, the c.803+5G>A variant in the PMS2 gene is classified as likely pathogenic.

This study involves interpretation of variants in research participants for the purpose of population health screening. Participant phenotype was not available at the time of variant classification. Additional details can be found in publication PMID: 35346344, PMCID: PMC8962531

Laboratory for Molecular Medicine, Mass General Brigham Personalized Medicine
Classification: Likely pathogenic for Lynch syndrome. Last evaluated: 2021-09-30. Review status: criteria provided, single submitter. Criteria: ACMG Guidelines, 2015. Collection method: clinical testing. Allele origin: germline. Inheritance: Autosomal dominant inheritance.
Comment: The c.803+5G>A variant in PMS2 has been reported in at least 5 individuals with lynch syndrome-associated cancers (Karam 2019 PMID:31642931, Wang 2020 PMID:31992580, Ambry data). In addition, tumors sampled from 2 of these individuals showed either high microsatellite instability or lacked PMS2 expression (Wang 2020 PMID:31992580). This variant has also been reported by other clinical laboratories in ClinVar (Variation ID 486041) and has also been identified in 0.001% (1/67946) of European chromosomes by gnomAD (gnomAD v3.1.1). This variant is located in the 5' splice region and computational tools predict an impact to splicing. In vitro studies on patient RNA have shown that this variant results in abnormal splicing (Karam 2019 PMID:31642931). In summary, although additional studies are required to fully establish its clinical significance, this variant meets criteria to be classified as likely pathogenic for autosomal dominant Lynch syndrome. ACMG/AMP Criteria applied: PS4_Moderate, PS3_Moderate, PM2_Supporting, PP3.

Literature cited by the submitters: PubMed 31992580 (cited by 6 submitters); PubMed 31642931 (cited by Myriad Genetics, Inc. and Laboratory for Molecular Medicine, Mass General Brigham Personalized Medicine); PubMed 38311346 (cited by 4 submitters); PubMed 17576681 (cited by Labcorp Genetics (formerly Invitae), Labcorp); PubMed 9536098 (cited by Labcorp Genetics (formerly Invitae), Labcorp); PubMed 32849802 (cited by Color Diagnostics, LLC DBA Color Health); PubMed 862267 (cited by All of Us Research Program, National Institutes of Health); PubMed 3501477 (cited by All of Us Research Program, National Institutes of Health); PubMed 25512458 (cited by All of Us Research Program, National Institutes of Health); PubMed 28514183 (cited by All of Us Research Program, National Institutes of Health); PubMed 35223509 (cited by All of Us Research Program, National Institutes of Health); PubMed 36091691 (cited by All of Us Research Program, National Institutes of Health).

NM_000535.7(PMS2):c.803+5G>A

Gene: PMS2 (PMS1 homolog 2, mismatch repair system component; minus strand). Cytogenetic location: 7p22.1.
Variant type: single nucleotide variant.
Coding change: c.803+5G>A on transcript NM_000535.7 (MANE Select); 5 bases into the intron after coding-DNA position 803, G replaced by A.
Molecular consequence: intron variant.
Genome position (GRCh38, 1-based): chr7:5,997,321, C>T on the plus strand (G>A on the coding strand, the complement: PMS2 is on the minus strand). VCF-style: chr7-5997321-C-T. GRCh37 (hg19) VCF-style: chr7-6036952-C-T.
Other names: c.485+5G>A (NM_001322008.2, NM_001322007.2); c.398+5G>A (NM_001322010.2, NM_001322004.2, NM_001322003.2 and 2 more transcripts); c.230+5G>A (NM_001322013.2); c.-131+5G>A (NM_001322012.2, NM_001322011.2); c.494+5G>A (NM_001322015.2); c.803+5G>A (NM_001322006.2, NM_001322014.2).
Identifiers: ClinVar variation 486041 (VCV000486041.29), dbSNP rs939641251, ClinGen allele CA153239468.
Genomic context (GRCh38, chr7:5,997,321, plus strand): 5'-CTTTAAAAAAAAAGCTCTCAGGATAAAATGTTCAATTGTAGTTCTCTTGCCAGCAATCTA[C>T]TTACTAAAAAAGATTATGCAGAGCATCGGAACAGCTCAAACCGTACTCTTCACACACGGA-3'